The following is an entry in ClinVar:

ClinVar aggregate classification (germline): Uncertain significance. Review status: criteria provided, multiple submitters, no conflicts (2 of 4 stars). 7 submissions from 6 submitters: Uncertain significance (7). Last evaluated 2024-04-08.

Conditions:
Lethal Kniest-like syndrome (DDSH). Also called: Dyssegmental Dysplasia. Identifiers: Orphanet 1865, MedGen C1857100, MONDO:0009140, OMIM 224410.
Schwartz-Jampel syndrome type 1 (SJS1). Also called: MYOTONIC MYOPATHY, DWARFISM, CHONDRODYSTROPHY, AND OCULAR AND FACIAL ABNORMALITIES; CHONDRODYSTROPHIC MYOTONIA. Identifiers: MedGen C4551479, MONDO:0100435, OMIM 255800.
Inborn genetic diseases. Identifiers: MedGen C0950123, MeSH D030342.
Schwartz-Jampel syndrome. Also called: Myotonic myopathy dwarfism chondrodystrophy and ocular and facial abnormalities. Identifiers: Orphanet 800, MedGen C0036391, MONDO:0009717.

Allele frequency attached by ClinVar (database versions not stated): ExAC 0.00006; gnomAD 0.00006; TOPMed 0.00006; gnomAD exomes 0.00008; ESP Exome Variant Server 0.00015.
gnomAD v4.1: 125 of 1,613,754 alleles (0.0077%); highest among the groups gnomAD compares: Non-Finnish European, 0.0096%; no homozygotes.

Submissions (7):

Fulgent Genetics
Classification: Uncertain significance for Lethal Kniest-like syndrome; Schwartz-Jampel syndrome type 1. Last evaluated: 2024-04-08. Review status: criteria provided, single submitter. Criteria: ACMG Guidelines, 2015. Collection method: clinical testing. Allele origin: germline.

Ambry Genetics
Classification: Uncertain significance for Inborn genetic diseases. Last evaluated: 2022-12-28. Review status: criteria provided, single submitter. Criteria: Ambry Variant Classification Scheme 2023. Collection method: clinical testing. Allele origin: germline.

Department of Pathology and Laboratory Medicine, Sinai Health System
Classification: Uncertain significance for Lethal Kniest-like syndrome; Schwartz-Jampel syndrome type 1. Last evaluated: 2020-08-05. Review status: criteria provided, single submitter. Criteria: ACMG Guidelines, 2015. Collection method: research. Allele origin: germline.

Athena Diagnostics
Classification: Uncertain significance. Last evaluated: 2019-01-17. Review status: criteria provided, single submitter. Criteria: Athena Diagnostics Criteria. Collection method: clinical testing. Allele origin: germline.

ARUP Laboratories, Molecular Genetics and Genomics, ARUP Laboratories
Classification: Uncertain significance. Last evaluated: 2018-10-09. Review status: criteria provided, single submitter. Criteria: ARUP Molecular Germline Variant Investigation Process. Collection method: clinical testing. Allele origin: germline.
Comment: The HSPG2 c.2896G>A; p.Glu966Lys variant (rs142651007), to our knowledge, is not described in the medical literature but contains an entry in ClinVar (Variation ID: 295873). It is observed in the Non-Finnish European population at an overall frequency of 0.016% (18/110966 alleles) in the Genome Aggregation Database. The glutamic acid at codon 966 is moderately conserved, and computational algorithms (PolyPhen-2, SIFT) predict that this variant is tolerated. However, due to the lack of clinical and functional data regarding this variant, its clinical significance cannot be determined with certainty.

Illumina Laboratory Services, Illumina
Classification: Uncertain significance for Schwartz-Jampel syndrome type 1. Last evaluated: 2018-01-13. Review status: criteria provided, single submitter. Criteria: ICSL Variant Classification Criteria 13 December 2019. Collection method: clinical testing. Allele origin: germline.

Illumina Laboratory Services, Illumina
Classification: Uncertain significance for Lethal Kniest-like syndrome. Last evaluated: 2018-01-13. Review status: criteria provided, single submitter. Criteria: ICSL Variant Classification Criteria 13 December 2019. Collection method: clinical testing. Allele origin: germline.

NM_005529.7(HSPG2):c.2896G>A (p.Glu966Lys)

Gene: HSPG2 (heparan sulfate proteoglycan 2; minus strand). Cytogenetic location: 1p36.12.
Variant type: single nucleotide variant.
Coding change: c.2896G>A on transcript NM_005529.7 (MANE Select); coding-DNA position 2896, G replaced by A.
Protein change: p.Glu966Lys; replaces glutamic acid 966 with lysine.
Molecular consequence: missense variant.
Genome position (GRCh38, 1-based): chr1:21,876,336, C>T on the plus strand (G>A on the coding strand, the complement: HSPG2 is on the minus strand). VCF-style: chr1-21876336-C-T. GRCh37 (hg19) VCF-style: chr1-22202829-C-T.
Other names: c.2899G>A, p.Glu967Lys (NM_001291860.2); short protein forms E966K, E967K.
Identifiers: ClinVar variation 295873 (VCV000295873.17), dbSNP rs142651007, ClinGen allele CA672814.